The following is an entry in ClinVar:

NM_181712.5(KANK4):c.1049C>T (p.Ser350Leu)

Gene: KANK4 (KN motif and ankyrin repeat domains 4; minus strand). Cytogenetic location: 1p31.3.
Variant type: single nucleotide variant.
Coding change: c.1049C>T on transcript NM_181712.5 (MANE Select); coding-DNA position 1049, C replaced by T.
Protein change: p.Ser350Leu; replaces serine 350 with leucine.
Molecular consequence: missense variant. On other transcripts: intron variant (1).
Genome position (GRCh38, 1-based): chr1:62,274,055, G>A on the plus strand (C>T on the coding strand, the complement: KANK4 is on the minus strand). VCF-style: chr1-62274055-G-A. GRCh37 (hg19) VCF-style: chr1-62739727-G-A.
Other names: c.17-2466C>T (NM_001320269.2); short protein forms S350L.
Identifiers: ClinVar variation 2349546 (VCV002349546.7), dbSNP rs201118187, ClinGen allele CA884448.

ClinVar aggregate classification (germline): Uncertain significance. Review status: criteria provided, multiple submitters, no conflicts (2 of 4 stars). 3 submissions from 3 submitters: Uncertain significance (2). 1 of the submissions does not count toward it. Last evaluated 2024-07-12.

Conditions:
KANK4-related disorder. Also called: KANK4-related condition.

Allele frequency attached by ClinVar (database versions not stated): ExAC 0.00022; ESP Exome Variant Server 0.00023; TOPMed 0.00042; gnomAD 0.00044; gnomAD exomes 0.00067.
gnomAD v4.1: 1,027 of 1,614,074 alleles (0.064%); highest among the groups gnomAD compares: Non-Finnish European, 0.082%; 2 homozygotes.

Submissions (3):

Labcorp Genetics (formerly Invitae), Labcorp
Classification: Uncertain significance. Last evaluated: 2024-07-12. Review status: criteria provided, single submitter. Criteria: Invitae Variant Classification Sherloc (09022015). Collection method: clinical testing. Allele origin: germline.
Comment: This sequence change replaces serine, which is neutral and polar, with leucine, which is neutral and non-polar, at codon 350 of the KANK4 protein (p.Ser350Leu). This variant is present in population databases (rs201118187, gnomAD 0.05%), and has an allele count higher than expected for a pathogenic variant. This variant has not been reported in the literature in individuals affected with KANK4-related conditions. ClinVar contains an entry for this variant (Variation ID: 2349546). An algorithm developed to predict the effect of missense changes on protein structure and function outputs the following: PolyPhen-2: "Benign". The leucine amino acid residue is found in multiple mammalian species, which suggests that this missense change does not adversely affect protein function. In summary, the available evidence is currently insufficient to determine the role of this variant in disease. Therefore, it has been classified as a Variant of Uncertain Significance.

Ambry Genetics
Classification: Uncertain significance. Last evaluated: 2021-09-15. Review status: criteria provided, single submitter. Criteria: Ambry Variant Classification Scheme 2023. Collection method: clinical testing. Allele origin: germline.

PreventionGenetics, part of Exact Sciences
Classification: Uncertain significance for KANK4-related condition. Last evaluated: 2024-02-09. Review status: no assertion criteria provided. Collection method: clinical testing. Allele origin: germline. Not counted in ClinVar's aggregate classification.
Comment: The KANK4 c.1049C>T variant is predicted to result in the amino acid substitution p.Ser350Leu. To our knowledge, this variant has not been reported in the literature. This variant is reported in 0.049% of alleles in individuals of European (Non-Finnish) descent in gnomAD. At this time, the clinical significance of this variant is uncertain due to the absence of conclusive functional and genetic evidence.